The following is an entry in ClinVar:

ClinVar aggregate classification (germline): Uncertain significance (1 of 4 stars; one submission).

Allele frequency attached by ClinVar (database versions not stated): gnomAD exomes below 0.00001; gnomAD 0.00001; TOPMed 0.00002; ExAC 0.00003.
gnomAD v4.1: 6 of 1,613,870 alleles (0.00037%); highest among the groups gnomAD compares: South Asian, 0.0022%; no homozygotes.

Submission:

Labcorp Genetics (formerly Invitae), Labcorp
Classification: Uncertain significance. Last evaluated: 2024-12-09. Review status: criteria provided, single submitter. Criteria: Invitae Variant Classification Sherloc (09022015). Collection method: clinical testing. Allele origin: germline.
Comment: This sequence change replaces arginine, which is basic and polar, with cysteine, which is neutral and slightly polar, at codon 767 of the EXTL3 protein (p.Arg767Cys). This variant is present in population databases (rs768599793, gnomAD 0.006%). This variant has not been reported in the literature in individuals affected with EXTL3-related conditions. ClinVar contains an entry for this variant (Variation ID: 1902445). Invitae Evidence Modeling of protein sequence and biophysical properties (such as structural, functional, and spatial information, amino acid conservation, physicochemical variation, residue mobility, and thermodynamic stability) has been performed for this missense variant. However, the output from this modeling did not meet the statistical confidence thresholds required to predict the impact of this variant on EXTL3 protein function. In summary, the available evidence is currently insufficient to determine the role of this variant in disease. Therefore, it has been classified as a Variant of Uncertain Significance.

NM_001440.4(EXTL3):c.2299C>T (p.Arg767Cys)

Gene: EXTL3 (exostosin like glycosyltransferase 3; plus strand). Cytogenetic location: 8p21.1.
Variant type: single nucleotide variant.
Coding change: c.2299C>T on transcript NM_001440.4 (MANE Select); coding-DNA position 2299, C replaced by T.
Protein change: p.Arg767Cys; replaces arginine 767 with cysteine.
Molecular consequence: missense variant. On other transcripts: non-coding transcript variant (1).
Genome position (GRCh38, 1-based): chr8:28,737,541, C>T. VCF-style: chr8-28737541-C-T. GRCh37 (hg19) VCF-style: chr8-28595058-C-T.
Other names: short protein forms R767C.
Identifiers: ClinVar variation 1902445 (VCV001902445.5), dbSNP rs768599793, ClinGen allele CA4696398.
Genomic context (GRCh38, chr8:28,737,541, plus strand): 5'-CTGTATTCAGGTCTGTGTATGCACTTGTGTTTTTCAAGGGTGTGGAGAGAAGCTCGGGAC[C>T]GCATCGTGGGCTTCCCTGGCCGTTACCACGCATGGGACATCCCCCATCAGTCCTGGCTCT-3'
Protein context (NP_001431.1, residues 757-777): GFRVWREARD[Arg767Cys]IVGFPGRYHA